The following is an entry in ClinVar:

ClinVar aggregate classification (germline): Benign. Review status: criteria provided, multiple submitters, no conflicts (2 of 4 stars). 18 submissions from 15 submitters: Benign (13). 5 of the submissions do not count toward it. Last evaluated 2026-02-04.

Conditions:
Early-infantile DEE. Also called: Ohtahara syndrome; Early infantile epileptic encephalopathy with suppression bursts; Early infantile epileptic encephalopathy. Identifiers: Orphanet 1934, MedGen C0393706, MONDO:0800491.
Myoclonus, familial, 2. Identifiers: MedGen C5193056, MONDO:0100092, OMIM 618364.
Seizures, benign familial infantile, 5 (BFIS5). Also called: CONVULSIONS, BENIGN FAMILIAL INFANTILE, 5. Identifiers: Orphanet 306, MedGen C4310728, MONDO:0014903, OMIM 617080.
Inborn genetic diseases. Identifiers: MedGen C0950123, MeSH D030342.
Cognitive impairment with or without cerebellar ataxia (CIAT). Identifiers: MedGen C3280415, MONDO:0013680, OMIM 614306.
Developmental and epileptic encephalopathy, 13 (DEE13). Also called: Early infantile epileptic encephalopathy 13; Developmental and Epileptic Encephalopathy (SCN8A-DEE); SCN8A-Related Epilepsy. Identifiers: Orphanet 442835, MedGen C3281191, MONDO:0013801, OMIM 614558.

Allele frequency attached by ClinVar (database versions not stated): 1000 Genomes Project 30x 0.48517; gnomAD 0.60091; 1000 Genomes Project 0.48902; TOPMed 0.59826; ESP Exome Variant Server 0.60655; gnomAD exomes 0.70838.
gnomAD v4.1: 1,125,606 of 1,613,622 alleles (70%); highest among the groups gnomAD compares: Non-Finnish European, 75%; 406,832 homozygotes.

Submissions (18):

Labcorp Genetics (formerly Invitae), Labcorp
Classification: Benign for Early-infantile DEE. Last evaluated: 2026-02-04. Review status: criteria provided, single submitter. Criteria: Invitae Variant Classification Sherloc (09022015). Collection method: clinical testing. Allele origin: germline.

Unidad de Genómica Garrahan, Hospital de Pediatría Garrahan
Classification: Benign. Last evaluated: 2024-07-15. Review status: criteria provided, single submitter. Criteria: ACMG Guidelines, 2015. Collection method: clinical testing. Allele origin: germline. Affected: no. Observed: 82 variant alleles.
Comment: This variant is classified as Benign based on local population frequency. This variant was detected in 88% of patients studied in a panel designed for Epileptic and Developmental Encephalopathy and Progressive Myoclonus Epilepsy. Number of patients: 82. Only high quality variants are reported.

Mayo Clinic Laboratories, Mayo Clinic
Classification: Benign. Last evaluated: 2022-03-24. Review status: criteria provided, single submitter. Criteria: ACMG Guidelines, 2015. Collection method: clinical testing. Allele origin: germline. Observed: 1,571 variant alleles.

Genome-Nilou Lab
Classification: Benign for Myoclonus, familial, 2. Last evaluated: 2021-07-15. Review status: criteria provided, single submitter. Criteria: ACMG Guidelines, 2015. Collection method: clinical testing. Allele origin: germline. Affected: no.

Genome-Nilou Lab
Classification: Benign for Cognitive impairment with or without cerebellar ataxia. Last evaluated: 2021-07-15. Review status: criteria provided, single submitter. Criteria: ACMG Guidelines, 2015. Collection method: clinical testing. Allele origin: germline. Affected: no.

Genome-Nilou Lab
Classification: Benign for Developmental and epileptic encephalopathy, 13. Last evaluated: 2021-07-15. Review status: criteria provided, single submitter. Criteria: ACMG Guidelines, 2015. Collection method: clinical testing. Allele origin: germline. Affected: no.

Genome-Nilou Lab
Classification: Benign for Seizures, benign familial infantile, 5. Last evaluated: 2021-07-15. Review status: criteria provided, single submitter. Criteria: ACMG Guidelines, 2015. Collection method: clinical testing. Allele origin: germline. Affected: no.

Athena Diagnostics
Classification: Benign. Last evaluated: 2018-05-07. Review status: criteria provided, single submitter. Criteria: Athena Diagnostics Criteria. Collection method: clinical testing. Allele origin: germline.

Eurofins Ntd Llc (ga)
Classification: Benign. Last evaluated: 2016-01-12. Review status: criteria provided, single submitter. Criteria: EGL Classification Definitions 2015. Collection method: clinical testing. Allele origin: germline. Observed: 2 variant alleles, 1 heterozygote, 1 homozygote.

Ambry Genetics
Classification: Benign for Inborn genetic diseases. Last evaluated: 2015-12-31. Review status: criteria provided, single submitter. Criteria: Ambry Variant Classification Scheme 2023. Collection method: clinical testing. Allele origin: germline.

GeneDx
Classification: Benign. Last evaluated: 2015-03-03. Review status: criteria provided, single submitter. Criteria: GeneDx Variant Classification Process June 2021. Collection method: clinical testing. Allele origin: germline. Affected: yes.

Breakthrough Genomics
Classification: Benign. Review status: criteria provided, single submitter. Criteria: ACMG Guidelines, 2015. Collection method: not provided. Allele origin: germline. Inheritance: Autosomal dominant inheritance. Affected: yes.

PreventionGenetics, part of Exact Sciences
Classification: Benign. Review status: criteria provided, single submitter. Criteria: ACMG Guidelines, 2015. Collection method: clinical testing. Allele origin: germline.

Clinical Genetics DNA and cytogenetics Diagnostics Lab, Erasmus MC, Erasmus Medical Center
Classification: Benign. Review status: no assertion criteria provided. Collection method: clinical testing. Allele origin: germline. Affected: yes. Study: VKGL Data-share Consensus. Not counted in ClinVar's aggregate classification.

Diagnostic Laboratory, Department of Genetics, University Medical Center Groningen
Classification: Benign. Review status: no assertion criteria provided. Collection method: clinical testing. Allele origin: germline. Affected: yes. Study: VKGL Data-share Consensus. Not counted in ClinVar's aggregate classification.

Genetic Services Laboratory, University of Chicago
Classification: Likely benign for AllHighlyPenetrant. Review status: no assertion criteria provided. Collection method: clinical testing. Allele origin: germline. Inheritance: Autosomal dominant inheritance. Not counted in ClinVar's aggregate classification.
Comment: Likely benign based on allele frequency in 1000 Genomes Project or ESP global frequency and its presence in a patient with a rare or unrelated disease phenotype. NOT Sanger confirmed.

Genome Diagnostics Laboratory, University Medical Center Utrecht
Classification: Benign. Review status: no assertion criteria provided. Collection method: clinical testing. Allele origin: germline. Affected: yes. Study: VKGL Data-share Consensus. Not counted in ClinVar's aggregate classification.

Joint Genome Diagnostic Labs from Nijmegen and Maastricht, Radboudumc and MUMC+
Classification: Benign. Review status: no assertion criteria provided. Collection method: clinical testing. Allele origin: germline. Affected: yes. Study: VKGL Data-share Consensus. Not counted in ClinVar's aggregate classification.

NM_001330260.2(SCN8A):c.5472C>A (p.Pro1824=)

Gene: SCN8A (sodium voltage-gated channel alpha subunit 8; plus strand). Cytogenetic location: 12q13.13.
Variant type: single nucleotide variant.
Coding change: c.5472C>A on transcript NM_001330260.2 (MANE Select); coding-DNA position 5472, C replaced by A.
Protein change: p.Pro1824=; no amino-acid change (proline 1824 retained).
Molecular consequence: synonymous variant.
Genome position (GRCh38, 1-based): chr12:51,806,958, C>A. VCF-style: chr12-51806958-C-A. GRCh37 (hg19) VCF-style: chr12-52200742-C-A.
Other names: p.Pro1824=; c.5349C>A, p.Pro1783= (NM_001177984.3, NM_001369788.1); c.5472C>A, p.Pro1824= (NM_014191.4).
Identifiers: ClinVar variation 130251 (VCV000130251.36), dbSNP rs60637, ClinGen allele CA155097.